The following continues an entry in ClinVar:

NM_000059.4(BRCA2):c.7913_7917del (p.Ala2637_Phe2638insTer)

Gene: BRCA2. ClinVar aggregate classification (germline): Pathogenic. Pathogenic (1).

Submissions 13 to 28 of 28:

ARUP Laboratories, Molecular Genetics and Genomics, ARUP Laboratories
Classification: Pathogenic. Last evaluated: 2020-12-07. Review status: criteria provided, single submitter. Criteria: ARUP Molecular Germline Variant Investigation Process 2021. Collection method: clinical testing. Allele origin: germline. Not counted in ClinVar's aggregate classification.
Comment: The BRCA2 c.7913_7917del; p.Phe2638Ter (also known as 8141del5) variant creates a frameshift and is predicted to result in a truncated protein or absent transcript. This variant has been described as a founder variant in the Czech population (Janavicius 2010, Machackova 2008), as well as reported several times in individuals and families with breast and ovarian cancer syndrome (Becker 2012, Wojcik 2016, see ClinVar link). This variant is listed in the dbSNP database (rs80359686), but is absent from the general population databases (Exome Variant Server, Genome Aggregation Database, 1000 Genomes Project). Taken together, this variant is considered pathogenic. References: Becker AA et al. A 24-color metaphase-based radiation assay discriminates heterozygous BRCA2 mutation carriers from controls by chromosomal radiosensitivity. Breast Cancer Res Treat. 2012 Aug;135(1):167-75. Janavicius R. Founder BRCA1/2 mutations in the Europe: implications for hereditary breast-ovarian cancer prevention and control. EPMA J. 2010 Sep;1(3):397-412. Machackova E et al. Spectrum and characterisation of BRCA1 and BRCA2 deleterious mutations in high-risk Czech patients with breast and/or ovarian cancer. BMC Cancer. 2008 May 20;8:140. Wojcik P et al. Recurrent mutations of BRCA1, BRCA2 and PALB2 in the population of breast and ovarian cancer patients in Southern Poland. Hered Cancer Clin Pract. 2016 Feb 3;14:5.

Quest Diagnostics Nichols Institute San Juan Capistrano
Classification: Pathogenic. Last evaluated: 2020-07-03. Review status: criteria provided, single submitter. Criteria: Quest Diagnostics criteria. Collection method: clinical testing. Allele origin: unknown. Not counted in ClinVar's aggregate classification.

Women's Health and Genetics/Laboratory Corporation of America, LabCorp
Classification: Pathogenic for Hereditary breast and ovarian cancer syndrome. Last evaluated: 2020-04-10. Review status: criteria provided, single submitter. Criteria: LabCorp Variant Classification Summary - May 2015. Collection method: clinical testing. Allele origin: germline. Not counted in ClinVar's aggregate classification.
Comment: Variant summary: BRCA2 c.7913_7917delTTCCT (p.Phe2638X) results in a premature termination codon, predicted to cause a truncation of the encoded protein or absence of the protein due to nonsense mediated decay, which are commonly known mechanisms for disease. Truncations downstream of this position have been classified as pathogenic by our laboratory. The variant was absent in 251282 control chromosomes. c.7913_7917delTTCCT has been reported in the literature in multiple individuals affected with Hereditary Breast And Ovarian Cancer Syndrome (example- Rebbeck_2018). These data indicate that the variant is very likely to be associated with disease. To our knowledge, no experimental evidence demonstrating an impact on protein function has been reported. 12 other ClinVar submitters (evaluation after 2014) have cited the variant as pathogenic. Based on the evidence outlined above, the variant was classified as pathogenic.

Division of Medical Genetics, University of Washington
Classification: Pathogenic for Breast-ovarian cancer, familial, susceptibility to, 2. Last evaluated: 2020-04-09. Review status: criteria provided, single submitter. Criteria: ACMG Guidelines, 2015. Collection method: clinical testing. Allele origin: germline. Affected: no. Study: CSER_CHARM. Not counted in ClinVar's aggregate classification.
Comment: This deletion leads to a nonsense variant and the introduction of a premature termination codon. The variant is is predicted to cause loss of normal protein function through either protein truncation or nonsense-mediated mRNA decay. This variant has been reported in the literature in multiple individuals with breast or ovarian cancer (Balabas 2010, Becker 2012, Couch 2015, Wojcik 2016), and is reported to be a founder variant in the Czech population (Machachkova 2008, Janavicius 2010). This variant is not present in population databases. Thus, this variant is interpreted as pathogenic. PM2; PVS1

GeneKor MSA
Classification: Pathogenic for Hereditary Breast Carcinoma. Last evaluated: 2020-01-01. Review status: criteria provided, single submitter. Criteria: ACMG Guidelines, 2015. Collection method: clinical testing. Allele origin: germline. Affected: yes. Not counted in ClinVar's aggregate classification.
Comment: This is a deletion of 5 base pairs amino resulting in an amino acid change from Phenylalanine to a Termination codon at amino acid residue 2638 of the BRCA2 gene. It is expected to result in an absent or disrupted protein product. This particular truncation has been reported in the literature as 8141del5 and has been reported in families and patients with breast and/or ovarian cancer (PMID: 9667259, 20383589). This variant has also been described as a founder mutation in the Czech population (PMID: 23199084).

Cancer Genetics and Genomics Laboratory, British Columbia Cancer Agency
Classification: Pathogenic for Hereditary breast ovarian cancer syndrome. Last evaluated: 2017-04-18. Review status: criteria provided, single submitter. Criteria: ACMG Guidelines, 2015. Collection method: clinical testing. Allele origin: germline. Study: The Canadian Open Genetics Repository (COGR). Not counted in ClinVar's aggregate classification.

Consortium of Investigators of Modifiers of BRCA1/2 (CIMBA), c/o University of Cambridge
Classification: Pathogenic for Breast-ovarian cancer, familial, susceptibility to, 2. Last evaluated: 2015-10-02. Review status: criteria provided, single submitter. Criteria: CIMBA Mutation Classification guidelines May 2016. Collection method: clinical testing. Allele origin: germline. Not counted in ClinVar's aggregate classification.

Department of Medical Genetics, Oslo University Hospital
Classification: Pathogenic for Breast-ovarian cancer, familial, susceptibility to, 2. Last evaluated: 2015-07-01. Review status: criteria provided, single submitter. Criteria: ACMG Guidelines, 2015. Collection method: clinical testing. Allele origin: germline. Affected: yes. Observed: 1 variant allele. Not counted in ClinVar's aggregate classification.

PreventionGenetics, part of Exact Sciences
Classification: Pathogenic for BRCA2-related condition. Last evaluated: 2024-08-09. Review status: no assertion criteria provided. Collection method: clinical testing. Allele origin: germline. Not counted in ClinVar's aggregate classification.
Comment: The BRCA2 c.7913_7917del5 variant is predicted to result in premature protein termination (p.Phe2638*). This variant is also referred to as 8138del5 or 8141del5 in the literature. It has been reported in many individuals with breast and/or ovarian cancer (see, for example, Gayther et al. 1997. PubMed ID: 8988179; Becker et al. 2012. PubMed ID: 22729890; Łukomska et al. 2021. PubMed ID: 33670479). It has been described as a founder variant in the Czech population (Machackova et al. 2008. PubMed ID: 18489799). This variant has not been reported in a large population database, indicating this variant is rare. In ClinVar, it is classified as pathogenic. Nonsense variants in BRCA2 are expected to be pathogenic. This variant is interpreted as pathogenic.

BRCAlab, Lund University
Classification: Pathogenic for Breast-ovarian cancer, familial, susceptibility to, 2. Last evaluated: 2022-08-26. Review status: no assertion criteria provided. Collection method: clinical testing. Allele origin: germline. Affected: yes. Not counted in ClinVar's aggregate classification.

CZECANCA consortium
Classification: Pathogenic for Breast and/or ovarian cancer. Last evaluated: 2019-06-11. Review status: no assertion criteria provided. Collection method: clinical testing. Allele origin: germline. Affected: yes. Observed: 5 variant alleles. Not counted in ClinVar's aggregate classification.

Counsyl
Classification: Pathogenic for Breast-ovarian cancer, familial, susceptibility to, 2. Last evaluated: 2018-01-04. Review status: no assertion criteria provided. Collection method: clinical testing. Allele origin: unknown. Not counted in ClinVar's aggregate classification.

True Health Diagnostics
Classification: Pathogenic for Hereditary cancer-predisposing syndrome. Last evaluated: 2017-12-07. Review status: no assertion criteria provided. Collection method: clinical testing. Allele origin: germline. Not counted in ClinVar's aggregate classification.

Research Molecular Genetics Laboratory, Women's College Hospital, University of Toronto
Classification: Pathogenic for Hereditary breast ovarian cancer syndrome. Last evaluated: 2014-01-31. Review status: no assertion criteria provided. Collection method: research. Allele origin: germline. Affected: yes. Study: The Canadian Open Genetics Repository (COGR). Not counted in ClinVar's aggregate classification.

Sharing Clinical Reports Project (SCRP)
Classification: Pathogenic for Breast-ovarian cancer, familial 2. Last evaluated: 2010-09-27. Review status: no assertion criteria provided. Collection method: clinical testing. Allele origin: germline. Not counted in ClinVar's aggregate classification.

Breast Cancer Information Core (BIC) (BRCA2)
Classification: Pathogenic for Breast-ovarian cancer, familial 2. Last evaluated: 2002-05-29. Review status: no assertion criteria provided. Collection method: clinical testing. Allele origin: germline. Affected: yes. Observed: 7 variant alleles. Not counted in ClinVar's aggregate classification.

Literature cited by the submitters: PubMed 20104584 (cited by Labcorp Genetics (formerly Invitae), Labcorp); PubMed 8988179 (cited by Labcorp Genetics (formerly Invitae), Labcorp and Ambry Genetics); PubMed 15024741 (cited by Labcorp Genetics (formerly Invitae), Labcorp); PubMed 18489799 (cited by 3 submitters); PubMed 22729890 (cited by 5 submitters); PubMed 24528374 (cited by Labcorp Genetics (formerly Invitae), Labcorp and Color Diagnostics, LLC DBA Color Health); PubMed 20383589 (cited by 3 submitters); PubMed 26843898 (cited by Ambry Genetics and Color Diagnostics, LLC DBA Color Health); PubMed 29446198 (cited by 3 submitters); PubMed 31173646 (cited by Ambry Genetics and Color Diagnostics, LLC DBA Color Health); PubMed 33471991 (cited by Ambry Genetics and Color Diagnostics, LLC DBA Color Health); PubMed 33670479 (cited by Ambry Genetics and Color Diagnostics, LLC DBA Color Health); PubMed 9667259 (cited by Ambry Genetics); PubMed 23199084 (cited by All of Us Research Program, National Institutes of Health); PubMed 32295079 (cited by CZECANCA consortium).